The following is an entry in ClinVar:

ClinVar aggregate classification (germline): Uncertain significance (1 of 4 stars; one submission).

Conditions:
Cystic fibrosis (CF). Also called: MUCOVISCIDOSIS. Identifiers: Orphanet 586, MedGen C0010674, MONDO:0009061, OMIM 219700. Disease mechanism: loss of function.

Submission:

Ambry Genetics
Classification: Uncertain significance for Cystic fibrosis. Last evaluated: 2015-10-30. Review status: criteria provided, single submitter. Criteria: Ambry Variant Classification Scheme 2023. Collection method: clinical testing. Allele origin: germline.
Comment: The c.-106G>T alteration is located in the 5' untranslated region (5'UTR) of the CFTR gene. This alteration consists of a G to T substitution nucleotides upstream from the first translated codon. Based on insufficient or conflicting evidence, the clinical significance of this alteration remains unclear.

NM_000492.3(CFTR):c.-106G>T

Genes: CFTR (CF transmembrane conductance regulator; plus strand), LOC111674463 (CFTR promoter region; plus strand). Cytogenetic location: 7q31.2.
Variant type: single nucleotide variant.
Coding change: c.-106G>T on transcript NM_000492.3; 106 bases upstream of the start codon, G replaced by T.
Genome position (GRCh38, 1-based): chr7:117,479,989, G>T. VCF-style: chr7-117479989-G-T. GRCh37 (hg19) VCF-style: chr7-117120043-G-T.
Identifiers: ClinVar variation 3076090 (VCV003076090.1), dbSNP rs1479378243, ClinGen allele CA1737344465.